The following is an entry in ClinVar:

NM_006642.5(SDCCAG8):c.278C>T (p.Pro93Leu)

Gene: SDCCAG8 (SHH signaling and ciliogenesis regulator SDCCAG8; plus strand). Cytogenetic location: 1q43.
Variant type: single nucleotide variant.
Coding change: c.278C>T on transcript NM_006642.5 (MANE Select); coding-DNA position 278, C replaced by T.
Protein change: p.Pro93Leu; replaces proline 93 with leucine.
Molecular consequence: missense variant. On other transcripts: 5 prime UTR variant (4).
Genome position (GRCh38, 1-based): chr1:243,271,035, C>T. VCF-style: chr1-243271035-C-T. GRCh37 (hg19) VCF-style: chr1-243434337-C-T.
Other names: c.-835C>T (NM_001350246.2); c.-723C>T (NM_001350247.2); c.278C>T, p.Pro93Leu (NM_001350248.2); c.-17C>T (NM_001350249.2); c.-1096C>T (NM_001350251.2); short protein forms P93L.
Identifiers: ClinVar variation 296905 (VCV000296905.30), dbSNP rs140413256, ClinGen allele CA1483252.

ClinVar aggregate classification (germline): Conflicting classifications of pathogenicity. Review status: criteria provided, conflicting classifications (1 of 4 stars). 7 submissions from 6 submitters: Uncertain significance (3); Likely benign (3). 1 of the submissions does not count toward it. Last evaluated 2026-01-26.

Conditions:
Senior-Loken syndrome 7 (SLSN7). Identifiers: Orphanet 3156, MedGen C3150877, MONDO:0013326, OMIM 613615.
SDCCAG8-related disorder. Also called: SDCCAG8-Related Disorders; SDCCAG8-related condition.
Bardet-Biedl syndrome 16 (BBS16). Identifiers: Orphanet 110, MedGen C3889474, MONDO:0014444, OMIM 615993.
Bardet-Biedl syndrome (BBS). Identifiers: Orphanet 110, MedGen C0752166, MONDO:0015229.

Allele frequency attached by ClinVar (database versions not stated): ESP Exome Variant Server 0.00062; TOPMed 0.00080; 1000 Genomes Project 30x 0.00125; 1000 Genomes Project 0.00160.
gnomAD v4.1: 2,346 of 1,613,012 alleles (0.15%); highest among the groups gnomAD compares: South Asian, 0.29%; 5 homozygotes.

Submissions (7):

Labcorp Genetics (formerly Invitae), Labcorp
Classification: Likely benign for Bardet-Biedl syndrome 16; Senior-Loken syndrome 7. Last evaluated: 2026-01-26. Review status: criteria provided, single submitter. Criteria: Invitae Variant Classification Sherloc (09022015). Collection method: clinical testing. Allele origin: germline.

CeGaT Center for Human Genetics Tuebingen
Classification: Likely benign. Last evaluated: 2025-12-01. Review status: criteria provided, single submitter. Criteria: CeGaT Center For Human Genetics Tuebingen Variant Classification Criteria Version 2. Collection method: clinical testing. Allele origin: germline. Affected: yes. Observed: 3 variant alleles.
Comment: SDCCAG8: BP4

Blueprint Genetics
Classification: Likely benign. Last evaluated: 2024-11-08. Review status: criteria provided, single submitter. Criteria: ACMG Guidelines, 2015. Collection method: clinical testing. Allele origin: germline.

SN ONGC Dept of Genetics and Molecular biology Vision Research Foundation
Classification: Uncertain significance for Bardet-Biedl syndrome. Last evaluated: 2023-06-02. Review status: criteria provided, single submitter. Criteria: ACMG Guidelines, 2015. Collection method: research. Allele origin: unknown. Affected: yes. Observed: 1 heterozygote.
Comment: This variant was observed in digenic inheritance with the variant NC_000002.11:g.63720067T>A.

Illumina Laboratory Services, Illumina
Classification: Uncertain significance for Bardet-Biedl syndrome 16. Last evaluated: 2018-01-13. Review status: criteria provided, single submitter. Criteria: ICSL Variant Classification Criteria 13 December 2019. Collection method: clinical testing. Allele origin: germline.

Illumina Laboratory Services, Illumina
Classification: Uncertain significance for Senior-Loken syndrome 7. Last evaluated: 2018-01-13. Review status: criteria provided, single submitter. Criteria: ICSL Variant Classification Criteria 13 December 2019. Collection method: clinical testing. Allele origin: germline.

PreventionGenetics, part of Exact Sciences
Classification: Likely benign for SDCCAG8-related condition. Last evaluated: 2019-12-27. Review status: no assertion criteria provided. Collection method: clinical testing. Allele origin: germline. Not counted in ClinVar's aggregate classification.
Comment: This variant is classified as likely benign based on ACMG/AMP sequence variant interpretation guidelines (Richards et al. 2015 PMID: 25741868, with internal and published modifications).